The following is an entry in ClinVar:

ClinVar aggregate classification (germline): Uncertain significance (1 of 4 stars; one submission).

gnomAD v4.1: 1 of 1,610,384 alleles (0.000062%); highest among the groups gnomAD compares: East Asian, 0.0022%; no homozygotes.

Submission:

Ambry Genetics
Classification: Uncertain significance. Last evaluated: 2024-11-14. Review status: criteria provided, single submitter. Criteria: Ambry Variant Classification Scheme 2023. Collection method: clinical testing. Allele origin: germline.
Comment: The p.A956T variant (also known as c.2866G>A), located in coding exon 16 of the PALLD gene, results from a G to A substitution at nucleotide position 2866. The alanine at codon 956 is replaced by threonine, an amino acid with similar properties. This amino acid position is conserved. In addition, this alteration is predicted to be tolerated by in silico analysis. Based on the available evidence, the clinical significance of this variant remains unclear.

NM_001166108.2(PALLD):c.2917G>A (p.Ala973Thr)

Genes: CBR4 (carbonyl reductase 4; minus strand), PALLD (palladin, cytoskeletal associated protein; plus strand). Cytogenetic location: 4q32.3.
Variant type: single nucleotide variant.
Coding change: c.2917G>A on transcript NM_001166108.2 (MANE Select); coding-DNA position 2917, G replaced by A.
Protein change: p.Ala973Thr; replaces alanine 973 with threonine.
Molecular consequence: missense variant.
Genome position (GRCh38, 1-based): chr4:168,921,600, G>A. VCF-style: chr4-168921600-G-A. GRCh37 (hg19) VCF-style: chr4-169842751-G-A.
Other names: c.1720G>A, p.Ala574Thr (NM_001166109.2); c.1405G>A, p.Ala469Thr (NM_001166110.2); c.745G>A, p.Ala249Thr (NM_001367567.1, NM_001367569.1); c.796G>A, p.Ala266Thr (NM_001367568.1, NM_001367570.1); c.2866G>A, p.Ala956Thr (NM_016081.4); short protein forms A249T, A266T, A469T, A574T, A956T, A973T.
Identifiers: ClinVar variation 3413545 (VCV003413545.1).